The following is an entry in ClinVar:

NM_001136018.4(EPHX1):c.1151C>T (p.Thr384Ile)

Genes: TMEM63A (transmembrane protein 63A; minus strand), EPHX1 (epoxide hydrolase 1; plus strand). Cytogenetic location: 1q42.12.
Variant type: single nucleotide variant.
Coding change: c.1151C>T on transcript NM_001136018.4 (MANE Select); coding-DNA position 1151, C replaced by T.
Protein change: p.Thr384Ile; replaces threonine 384 with isoleucine.
Molecular consequence: missense variant. On other transcripts: non-coding transcript variant (4).
Genome position (GRCh38, 1-based): chr1:225,844,608, C>T. VCF-style: chr1-225844608-C-T. GRCh37 (hg19) VCF-style: chr1-226032309-C-T.
Other names: c.1151C>T, p.Thr384Ile (NM_000120.4, NM_001291163.2, NM_001378426.1 and 1 more transcripts); c.1124C>T, p.Thr375Ile (NM_001378428.1); c.1103C>T, p.Thr368Ile (NM_001378429.1, NM_001378430.1); c.923C>T, p.Thr308Ile (NM_001378431.1); c.584C>T, p.Thr195Ile (NM_001378432.1); short protein forms T308I, T375I, T384I, T195I, T368I.
Identifiers: ClinVar variation 4995283 (VCV004995283.1).

ClinVar aggregate classification (germline): Uncertain significance (1 of 4 stars; one submission).

Conditions:
EPHX1-related disorder. Also called: EPHX1-related condition.

Submission:

PreventionGenetics, part of Exact Sciences
Classification: Uncertain significance for EPHX1-related condition. Last evaluated: 2026-07-27. Review status: criteria provided, single submitter. Criteria: ACMG Guidelines, 2015. Collection method: clinical testing. Allele origin: germline.
Comment: The EPHX1 c.1151C>T variant is predicted to result in the amino acid substitution p.Thr384Ile. To our knowledge, this variant has not been reported in the literature or in a large population database (gnomAD), indicating this variant is rare. At this time, the clinical significance of this variant is uncertain due to the absence of conclusive functional and genetic evidence.